The following is an entry in ClinVar:

ClinVar aggregate classification (germline): Uncertain significance. Review status: criteria provided, multiple submitters, no conflicts (2 of 4 stars). 2 submissions from 2 submitters: Uncertain significance (2). Last evaluated 2024-06-12.

Conditions:
DICER1-related tumor predisposition. Also called: DICER1-related pleuropulmonary blastoma cancer predisposition syndrome; DICER1 syndrome. Identifiers: Orphanet 284343, MedGen C3839822, MONDO:0100216.
Hereditary cancer-predisposing syndrome. Also called: Neoplastic Syndromes, Hereditary; Tumor predisposition; Hereditary Cancer Syndrome; Hereditary neoplastic syndrome. Identifiers: Orphanet 140162, MedGen C0027672, MeSH D009386, MONDO:0015356.

Allele frequency attached by ClinVar (database versions not stated): TOPMed 0.00001.
gnomAD v4.1: 6 of 1,613,894 alleles (0.00037%); highest among the groups gnomAD compares: Non-Finnish European, 0.00051%; no homozygotes.

Submissions (2):

Ambry Genetics
Classification: Uncertain significance for Hereditary cancer-predisposing syndrome. Last evaluated: 2024-06-12. Review status: criteria provided, single submitter. Criteria: Ambry Variant Classification Scheme 2023. Collection method: clinical testing. Allele origin: germline.
Comment: The p.D239G variant (also known as c.716A>G), located in coding exon 5 of the DICER1 gene, results from an A to G substitution at nucleotide position 716. The aspartic acid at codon 239 is replaced by glycine, an amino acid with similar properties. This amino acid position is highly conserved in available vertebrate species. In addition, this alteration is predicted to be deleterious by in silico analysis. Since supporting evidence is limited at this time, the clinical significance of this alteration remains unclear.

Labcorp Genetics (formerly Invitae), Labcorp
Classification: Uncertain significance for DICER1-related tumor predisposition. Last evaluated: 2024-05-28. Review status: criteria provided, single submitter. Criteria: Invitae Variant Classification Sherloc (09022015). Collection method: clinical testing. Allele origin: germline.
Comment: This sequence change replaces aspartic acid, which is acidic and polar, with glycine, which is neutral and non-polar, at codon 239 of the DICER1 protein (p.Asp239Gly). This variant is not present in population databases (gnomAD no frequency). This variant has not been reported in the literature in individuals affected with DICER1-related conditions. ClinVar contains an entry for this variant (Variation ID: 543631). Advanced modeling of protein sequence and biophysical properties (such as structural, functional, and spatial information, amino acid conservation, physicochemical variation, residue mobility, and thermodynamic stability) has been performed at Invitae for this missense variant, however the output from this modeling did not meet the statistical confidence thresholds required to predict the impact of this variant on DICER1 protein function. In summary, the available evidence is currently insufficient to determine the role of this variant in disease. Therefore, it has been classified as a Variant of Uncertain Significance.

NM_177438.3(DICER1):c.716A>G (p.Asp239Gly)

Gene: DICER1 (dicer 1, ribonuclease III; minus strand). Cytogenetic location: 14q32.13.
Variant type: single nucleotide variant.
Coding change: c.716A>G on transcript NM_177438.3 (MANE Select); coding-DNA position 716, A replaced by G.
Protein change: p.Asp239Gly; replaces aspartic acid 239 with glycine.
Molecular consequence: missense variant.
Genome position (GRCh38, 1-based): chr14:95,129,490, T>C on the plus strand (A>G on the coding strand, the complement: DICER1 is on the minus strand). VCF-style: chr14-95129490-T-C. GRCh37 (hg19) VCF-style: chr14-95595827-T-C.
Other names: c.716A>G, p.Asp239Gly (NM_001195573.1, NM_001271282.3, NM_001291628.2 and 1 more transcripts); short protein forms D239G.
Identifiers: ClinVar variation 543631 (VCV000543631.16), dbSNP rs1555375788, ClinGen allele CA390887994.